The following is an entry in ClinVar:

ClinVar aggregate classification (germline): Uncertain significance. Review status: criteria provided, multiple submitters, no conflicts (2 of 4 stars). 2 submissions from 2 submitters: Uncertain significance (2). Last evaluated 2025-07-14.

Conditions:
Yunis-Varon syndrome (YVS). Also called: Cleidocranial dysplasia, micrognathia, absent thumbs, & distal aphalangia. Identifiers: Orphanet 3472, MedGen C1857663, MONDO:0008995, OMIM 216340.
Charcot-Marie-Tooth disease type 4. Also called: Charcot-Marie-Tooth disease, type IV; Charcot-Marie-Tooth, Type 4. Identifiers: Orphanet 64749, MedGen C4082197, MONDO:0018995.

Allele frequency attached by ClinVar (database versions not stated): TOPMed below 0.00001; ExAC 0.00001; gnomAD exomes 0.00001.
gnomAD v4.1: 12 of 1,614,006 alleles (0.00074%); highest among the groups gnomAD compares: Non-Finnish European, 0.00085%; no homozygotes.

Submissions (2):

Labcorp Genetics (formerly Invitae), Labcorp
Classification: Uncertain significance for Charcot-Marie-Tooth disease type 4. Last evaluated: 2025-07-14. Review status: criteria provided, single submitter. Criteria: Invitae Variant Classification Sherloc (09022015). Collection method: clinical testing. Allele origin: germline.
Comment: This sequence change replaces arginine, which is basic and polar, with cysteine, which is neutral and slightly polar, at codon 905 of the FIG4 protein (p.Arg905Cys). This variant is present in population databases (rs754970037, gnomAD 0.0009%). This variant has not been reported in the literature in individuals affected with FIG4-related conditions. ClinVar contains an entry for this variant (Variation ID: 662216). An algorithm developed to predict the effect of missense changes on protein structure and function outputs the following: PolyPhen-2: "Probably Damaging". The cysteine amino acid residue is found in multiple mammalian species, which suggests that this missense change does not adversely affect protein function. In summary, the available evidence is currently insufficient to determine the role of this variant in disease. Therefore, it has been classified as a Variant of Uncertain Significance.

Baylor Genetics
Classification: Uncertain significance for Yunis-Varon syndrome. Last evaluated: 2020-01-10. Review status: criteria provided, single submitter. Criteria: ACMG Guidelines, 2015. Collection method: clinical testing. Allele origin: unknown. Affected: yes.
Comment: This variant was determined to be of uncertain significance according to ACMG Guidelines, 2015 [PMID:25741868].

NM_014845.6(FIG4):c.2713C>T (p.Arg905Cys)

Gene: FIG4 (FIG4 phosphoinositide 5-phosphatase; plus strand). Cytogenetic location: 6q21.
Variant type: single nucleotide variant.
Coding change: c.2713C>T on transcript NM_014845.6 (MANE Select); coding-DNA position 2713, C replaced by T.
Protein change: p.Arg905Cys; replaces arginine 905 with cysteine.
Molecular consequence: missense variant.
Genome position (GRCh38, 1-based): chr6:109,825,254, C>T. VCF-style: chr6-109825254-C-T. GRCh37 (hg19) VCF-style: chr6-110146457-C-T.
Other names: short protein forms R905C.
Identifiers: ClinVar variation 662216 (VCV000662216.9), dbSNP rs754970037, ClinGen allele CA3956490.